The following is an entry in ClinVar:

ClinVar aggregate classification (germline): Pathogenic (1 of 4 stars; one submission).

Conditions:
Craniometadiaphyseal osteosclerosis with hip dysplasia (CMDOH). Identifiers: MedGen C5882710, MONDO:0957832, OMIM 620558.

gnomAD v4.1: 11 of 1,577,890 alleles (0.0007%); highest among the groups gnomAD compares: South Asian, 0.0035%; no homozygotes.

Submission:

Institute of Human Genetics, University of Goettingen
Classification: Pathogenic for Craniometadiaphyseal osteosclerosis with hip dysplasia. Last evaluated: 2025-06-30. Review status: criteria provided, single submitter. Criteria: ACMG Guidelines, 2015. Collection method: clinical testing. Allele origin: biparental. Inheritance: Autosomal recessive inheritance. Affected: yes. Observed: 1 homozygote.
Comment: The variant c.2194C>T (p.(Gln732Ters)) in exon 9 of the AXIN1-gene affects a weakly conserved nucleotide. The variation generates a 'Nonsense' as coding effect. We consider this variant a pathogenic variant. ACMG criteria used for classification: PVS1, PM2_sup, PM3_sup

NM_003502.4(AXIN1):c.2194C>T (p.Gln732Ter)

Gene: AXIN1 (axin 1; minus strand). Cytogenetic location: 16p13.3.
Variant type: single nucleotide variant.
Coding change: c.2194C>T on transcript NM_003502.4 (MANE Select); coding-DNA position 2194, C replaced by T.
Protein change: p.Gln732Ter; replaces glutamine 732 with a stop codon.
Molecular consequence: nonsense. On other transcripts: intron variant (1).
Genome position (GRCh38, 1-based): chr16:291,290, G>A on the plus strand (C>T on the coding strand, the complement: AXIN1 is on the minus strand). VCF-style: chr16-291290-G-A. GRCh37 (hg19) VCF-style: chr16-341290-G-A.
Other names: c.2187-1683C>T (NM_181050.3); short protein forms Q732*.
Identifiers: ClinVar variation 4532251 (VCV004532251.1).